The following is an entry in ClinVar:

ClinVar aggregate classification (germline): Uncertain significance. Review status: criteria provided, multiple submitters, no conflicts (2 of 4 stars). 4 submissions from 4 submitters: Uncertain significance (4). Last evaluated 2026-06-02.

Conditions:
Cardiovascular phenotype. Identifiers: MedGen CN230736.
ACTC1-related disorder. Also called: ACTC1-related condition.
Dilated cardiomyopathy 1R (CMD1R). Identifiers: Orphanet 154, Orphanet 54260, MedGen C3150681, MONDO:0013261, OMIM 613424.
Atrial septal defect 5 (ASD5). Identifiers: Orphanet 1478, MedGen C2748552, MONDO:0013011, OMIM 612794.
Hypertrophic cardiomyopathy 11. Also called: ACTC1-Related Familial Hypertrophic Cardiomyopathy. Identifiers: MedGen C2677506, MONDO:0012799, OMIM 612098.
Hypertrophic cardiomyopathy. Also called: HYPERTROPHIC MYOCARDIOPATHY. Identifiers: Orphanet 217569, MedGen C0007194, MeSH D002312, MONDO:0005045, HP:0001639.

Allele frequency attached by ClinVar (database versions not stated): gnomAD 0.00001; TOPMed 0.00002.
gnomAD v4.1: 2 of 1,613,556 alleles (0.00012%); highest among the groups gnomAD compares: African/African-American, 0.0013%; no homozygotes.

Submissions (4):

PreventionGenetics, part of Exact Sciences
Classification: Uncertain significance for ACTC1-related condition. Last evaluated: 2026-06-02. Review status: criteria provided, single submitter. Criteria: ACMG Guidelines, 2015. Collection method: clinical testing. Allele origin: germline.
Comment: The ACTC1 c.61G>A variant is predicted to result in the amino acid substitution p.Ala21Thr. To our knowledge, this variant has not been reported in the literature. This variant is reported in 0.011% of alleles in individuals of African descent in gnomAD. At this time, the clinical significance of this variant is uncertain due to the absence of conclusive functional and genetic evidence.

Labcorp Genetics (formerly Invitae), Labcorp
Classification: Uncertain significance for Dilated cardiomyopathy 1R; Hypertrophic cardiomyopathy 11; Atrial septal defect 5. Last evaluated: 2025-11-26. Review status: criteria provided, single submitter. Criteria: Invitae Variant Classification Sherloc (09022015). Collection method: clinical testing. Allele origin: germline.
Comment: This sequence change replaces alanine, which is neutral and non-polar, with threonine, which is neutral and polar, at codon 21 of the ACTC1 protein (p.Ala21Thr). This variant is present in population databases (no rsID available, gnomAD 0.007%). This variant has not been reported in the literature in individuals affected with ACTC1-related conditions. ClinVar contains an entry for this variant (Variation ID: 2045899). Invitae Evidence Modeling of protein sequence and biophysical properties (such as structural, functional, and spatial information, amino acid conservation, physicochemical variation, residue mobility, and thermodynamic stability) has been performed for this missense variant. However, the output from this modeling did not meet the statistical confidence thresholds required to predict the impact of this variant on ACTC1 protein function. In summary, the available evidence is currently insufficient to determine the role of this variant in disease. Therefore, it has been classified as a Variant of Uncertain Significance.

Ambry Genetics
Classification: Uncertain significance for Cardiovascular phenotype. Last evaluated: 2025-09-18. Review status: criteria provided, single submitter. Criteria: Ambry Variant Classification Scheme 2023. Collection method: clinical testing. Allele origin: germline.
Comment: The p.A21T variant (also known as c.61G>A), located in coding exon 1 of the ACTC1 gene, results from a G to A substitution at nucleotide position 61. The alanine at codon 21 is replaced by threonine, an amino acid with similar properties. This amino acid position is conserved. In addition, this alteration is predicted to be deleterious by in silico analysis. Since supporting evidence is limited at this time, the clinical significance of this alteration remains unclear.

All of Us Research Program, National Institutes of Health
Classification: Uncertain significance for Hypertrophic cardiomyopathy. Last evaluated: 2023-04-03. Review status: criteria provided, single submitter. Criteria: ACMG Guidelines, 2015. Collection method: clinical testing. Allele origin: germline. Inheritance: Autosomal dominant inheritance. Observed: 1 variant allele, 1 heterozygote.
Comment: This missense variant replaces alanine with threonine at codon 21 of the ACTC1 protein. Computational prediction suggests that this variant may have a deleterious impact on protein structure and function (internally defined REVEL score threshold >= 0.7, PMID: 27666373). To our knowledge, functional studies have not been reported for this variant. This variant has not been reported in individuals affected with ACTC1-related disorders in the literature. This variant has been identified in 1/31368 chromosomes in the general population by the Genome Aggregation Database (gnomAD). The available evidence is insufficient to determine the role of this variant in disease conclusively. Therefore, this variant is classified as a Variant of Uncertain Significance.

This study involves interpretation of variants in research participants for the purpose of population health screening. Participant phenotype was not available at the time of variant classification. Additional details can be found in publication PMID: 35346344, PMCID: PMC8962531

NM_005159.5(ACTC1):c.61G>A (p.Ala21Thr)

Genes: ACTC1 (actin alpha cardiac muscle 1; minus strand), GJD2-DT (GJD2 divergent transcript; plus strand). Cytogenetic location: 15q14.
Variant type: single nucleotide variant.
Coding change: c.61G>A on transcript NM_005159.5 (MANE Select); coding-DNA position 61, G replaced by A.
Protein change: p.Ala21Thr; replaces alanine 21 with threonine.
Molecular consequence: missense variant.
Genome position (GRCh38, 1-based): chr15:34,794,748, C>T on the plus strand (G>A on the coding strand, the complement: ACTC1 is on the minus strand). VCF-style: chr15-34794748-C-T. GRCh37 (hg19) VCF-style: chr15-35086949-C-T.
Other names: c.61G>A, p.Ala21Thr (NM_001406482.1, NM_001406483.1); short protein forms A21T.
Identifiers: ClinVar variation 2045899 (VCV002045899.9), dbSNP rs1270508243, ClinGen allele CA391633280.